The following is an entry in ClinVar:

NM_001142800.2(EYS):c.8345C>T (p.Thr2782Ile)

Genes: EYS (eyes shut homolog; minus strand), PHF3 (PHD finger protein 3; plus strand). Cytogenetic location: 6q12.
Variant type: single nucleotide variant.
Coding change: c.8345C>T on transcript NM_001142800.2 (MANE Select); coding-DNA position 8345, C replaced by T.
Protein change: p.Thr2782Ile; replaces threonine 2782 with isoleucine.
Molecular consequence: missense variant. On other transcripts: 3 prime UTR variant (5).
Genome position (GRCh38, 1-based): chr6:63,721,686, G>A on the plus strand (C>T on the coding strand, the complement: EYS is on the minus strand). VCF-style: chr6-63721686-G-A. GRCh37 (hg19) VCF-style: chr6-64431582-G-A.
Other names: c.*7978G>A (NM_001290259.2, NM_001370348.2, NM_001370349.2 and 2 more transcripts); c.8408C>T, p.Thr2803Ile (NM_001292009.2); short protein forms T2782I, T2803I.
Identifiers: ClinVar variation 1439576 (VCV001439576.5), dbSNP rs2149625486, ClinGen allele CA364385139.

ClinVar aggregate classification (germline): Uncertain significance (1 of 4 stars; one submission).

gnomAD v4.1: 3 of 1,551,340 alleles (0.00019%); highest among the groups gnomAD compares: South Asian, 0.0012%; no homozygotes.

Submission:

Labcorp Genetics (formerly Invitae), Labcorp
Classification: Uncertain significance. Last evaluated: 2021-09-24. Review status: criteria provided, single submitter. Criteria: Invitae Variant Classification Sherloc (09022015). Collection method: clinical testing. Allele origin: germline.
Comment: This sequence change replaces threonine with isoleucine at codon 2782 of the EYS protein (p.Thr2782Ile). The threonine residue is highly conserved and there is a moderate physicochemical difference between threonine and isoleucine. This variant is not present in population databases (ExAC no frequency). This variant has not been reported in the literature in individuals with EYS-related conditions. Algorithms developed to predict the effect of missense changes on protein structure and function output the following: SIFT: "Deleterious"; PolyPhen-2: "Probably Damaging"; Align-GVGD: "Class C0". The isoleucine amino acid residue is found in multiple mammalian species, suggesting that this missense change does not adversely affect protein function. These predictions have not been confirmed by published functional studies and their clinical significance is uncertain. In summary, the available evidence is currently insufficient to determine the role of this variant in disease. Therefore, it has been classified as a Variant of Uncertain Significance.